The following is an entry in ClinVar:

NM_003105.6(SORL1):c.2275G>A (p.Glu759Lys)

Genes: SORL1 (sortilin related receptor 1; plus strand), LOC114803469 (SORL1 eExon liver enhancer; plus strand). Cytogenetic location: 11q24.1.
Variant type: single nucleotide variant.
Coding change: c.2275G>A on transcript NM_003105.6 (MANE Select); coding-DNA position 2275, G replaced by A.
Protein change: p.Glu759Lys; replaces glutamic acid 759 with lysine.
Molecular consequence: missense variant.
Genome position (GRCh38, 1-based): chr11:121,553,945, G>A. VCF-style: chr11-121553945-G-A. GRCh37 (hg19) VCF-style: chr11-121424654-G-A.
Other names: c.2275G>A (NM_003105.5); short protein forms E759K.
Identifiers: ClinVar variation 1405790 (VCV001405790.7), dbSNP rs1272070582, ClinGen allele CA383033634.

ClinVar aggregate classification (germline): Uncertain significance. Review status: criteria provided, multiple submitters, no conflicts (2 of 4 stars). 2 submissions from 2 submitters: Uncertain significance (2). Last evaluated 2024-03-01.

Allele frequency attached by ClinVar (database versions not stated): TOPMed 0.00002.
gnomAD v4.1: 21 of 1,613,202 alleles (0.0013%); highest among the groups gnomAD compares: East Asian, 0.0022%; no homozygotes.

Submissions (2):

Ambry Genetics
Classification: Uncertain significance. Last evaluated: 2024-03-01. Review status: criteria provided, single submitter. Criteria: Ambry Variant Classification Scheme 2023. Collection method: clinical testing. Allele origin: germline.

Labcorp Genetics (formerly Invitae), Labcorp
Classification: Uncertain significance. Last evaluated: 2021-09-04. Review status: criteria provided, single submitter. Criteria: Invitae Variant Classification Sherloc (09022015). Collection method: clinical testing. Allele origin: germline.
Comment: In summary, the available evidence is currently insufficient to determine the role of this variant in disease. Therefore, it has been classified as a Variant of Uncertain Significance. Algorithms developed to predict the effect of missense changes on protein structure and function (SIFT, PolyPhen-2, Align-GVGD) all suggest that this variant is likely to be tolerated. This variant has not been reported in the literature in individuals affected with SORL1-related conditions. This variant is not present in population databases (ExAC no frequency). This sequence change replaces glutamic acid with lysine at codon 759 of the SORL1 protein (p.Glu759Lys). The glutamic acid residue is highly conserved and there is a small physicochemical difference between glutamic acid and lysine.